The following is an entry in ClinVar:

ClinVar aggregate classification (germline): Uncertain significance (1 of 4 stars; one submission).

Allele frequency attached by ClinVar (database versions not stated): ExAC 0.00001; TOPMed 0.00001.
gnomAD v4.1: 18 of 1,613,856 alleles (0.0011%); highest among the groups gnomAD compares: African/African-American, 0.0027%; no homozygotes.

Submission:

Labcorp Genetics (formerly Invitae), Labcorp
Classification: Uncertain significance. Last evaluated: 2022-05-18. Review status: criteria provided, single submitter. Criteria: Invitae Variant Classification Sherloc (09022015). Collection method: clinical testing. Allele origin: germline.
Comment: In summary, the available evidence is currently insufficient to determine the role of this variant in disease. Therefore, it has been classified as a Variant of Uncertain Significance. Algorithms developed to predict the effect of missense changes on protein structure and function are either unavailable or do not agree on the potential impact of this missense change (SIFT: "Not Available"; PolyPhen-2: "Benign"; Align-GVGD: "Not Available"). This variant has not been reported in the literature in individuals affected with MYO18B-related conditions. This variant is present in population databases (rs758916055, gnomAD 0.002%). This sequence change replaces tyrosine, which is neutral and polar, with phenylalanine, which is neutral and non-polar, at codon 863 of the MYO18B protein (p.Tyr863Phe).

NM_032608.7(MYO18B):c.2588A>T (p.Tyr863Phe)

Gene: MYO18B (myosin XVIIIB; plus strand). Cytogenetic location: 22q12.1.
Variant type: single nucleotide variant.
Coding change: c.2588A>T on transcript NM_032608.7 (MANE Select); coding-DNA position 2588, A replaced by T.
Protein change: p.Tyr863Phe; replaces tyrosine 863 with phenylalanine.
Molecular consequence: missense variant.
Genome position (GRCh38, 1-based): chr22:25,823,571, A>T. VCF-style: chr22-25823571-A-T. GRCh37 (hg19) VCF-style: chr22-26219538-A-T.
Other names: c.2588A>T, p.Tyr863Phe (NM_001318245.2); short protein forms Y863F.
Identifiers: ClinVar variation 1923322 (VCV001923322.5), dbSNP rs758916055, ClinGen allele CA10160228.
Genomic context (GRCh38, chr22:25,823,571, plus strand): 5'-GGAAGCAGTTCATGAGGTTTGAGTGGGCAAACTACGCAGCTGAGGCCCTGGGCTGCGAGT[A>T]TGAGGAGCTGAACACGGCCACCTTCAAGCACCACCTTCGACAGATCATCCAGCAAATGAC-3'
Protein context (NP_115997.5, residues 853-873): NYAAEALGCE[Tyr863Phe]EELNTATFKH